The following is an entry in ClinVar:

ClinVar aggregate classification (germline): Uncertain significance. Review status: criteria provided, multiple submitters, no conflicts (2 of 4 stars). 2 submissions from 2 submitters: Uncertain significance (2). Last evaluated 2025-09-08.

Conditions:
Hereditary cancer-predisposing syndrome. Also called: Hereditary Cancer Syndrome; Tumor predisposition; Neoplastic Syndromes, Hereditary; Hereditary neoplastic syndrome. Identifiers: Orphanet 140162, MedGen C0027672, MeSH D009386, MONDO:0015356.
Birt-Hogg-Dube syndrome. Also called: Birt Hogg Dubé syndrome. Identifiers: Orphanet 122, MedGen C0346010, MONDO:0800444.

Allele frequency attached by ClinVar (database versions not stated): gnomAD 0.00001.
gnomAD v4.1: 3 of 1,596,578 alleles (0.00019%); highest among the groups gnomAD compares: South Asian, 0.0011%; no homozygotes.

Submissions (2):

Labcorp Genetics (formerly Invitae), Labcorp
Classification: Uncertain significance for Birt-Hogg-Dube syndrome. Last evaluated: 2025-09-08. Review status: criteria provided, single submitter. Criteria: Invitae Variant Classification Sherloc (09022015). Collection method: clinical testing. Allele origin: germline.
Comment: This sequence change replaces proline, which is neutral and non-polar, with threonine, which is neutral and polar, at codon 140 of the FLCN protein (p.Pro140Thr). This variant is not present in population databases (gnomAD no frequency). This variant has not been reported in the literature in individuals affected with FLCN-related conditions. ClinVar contains an entry for this variant (Variation ID: 3229250). Invitae Evidence Modeling of protein sequence and biophysical properties (such as structural, functional, and spatial information, amino acid conservation, physicochemical variation, residue mobility, and thermodynamic stability) indicates that this missense variant is expected to disrupt FLCN protein function with a positive predictive value of 80%. In summary, the available evidence is currently insufficient to determine the role of this variant in disease. Therefore, it has been classified as a Variant of Uncertain Significance.

Ambry Genetics
Classification: Uncertain significance for Hereditary cancer-predisposing syndrome. Last evaluated: 2024-03-04. Review status: criteria provided, single submitter. Criteria: Ambry Variant Classification Scheme 2023. Collection method: clinical testing. Allele origin: germline.
Comment: The p.P140T variant (also known as c.418C>A), located in coding exon 3 of the FLCN gene, results from a C to A substitution at nucleotide position 418. The proline at codon 140 is replaced by threonine, an amino acid with highly similar properties. This amino acid position is conserved. In addition, this alteration is predicted to be deleterious by in silico analysis. Based on the available evidence, the clinical significance of this alteration remains unclear.

NM_144997.7(FLCN):c.418C>A (p.Pro140Thr)

Gene: FLCN (folliculin; minus strand). Cytogenetic location: 17p11.2.
Variant type: single nucleotide variant.
Coding change: c.418C>A on transcript NM_144997.7 (MANE Select); coding-DNA position 418, C replaced by A.
Protein change: p.Pro140Thr; replaces proline 140 with threonine.
Molecular consequence: missense variant.
Genome position (GRCh38, 1-based): chr17:17,224,122, G>T on the plus strand (C>A on the coding strand, the complement: FLCN is on the minus strand). VCF-style: chr17-17224122-G-T. GRCh37 (hg19) VCF-style: chr17-17127436-G-T.
Other names: c.472C>A, p.Pro158Thr (NM_001353229.2); c.418C>A, p.Pro140Thr (NM_001353230.2, NM_001353231.2, NM_144606.7); short protein forms P140T, P158T.
Identifiers: ClinVar variation 3229250 (VCV003229250.2), dbSNP rs1272462864, ClinGen allele CA398534611.
Genomic context (GRCh38, chr17:17,224,122, plus strand): 5'-CCTTGATGAAGAAGGTGTGGCTGAACACAAAGCCGTGCTGCTCATCTCCGAAGAAGATGG[G>T]GCCTTCACGGCCAGGGCAGACCTGGAGGGACACCGGCGACTCAGACAGCCCTTTCCTCGC-3'
Protein context (NP_659434.2, residues 130-150): SCEVCPGREG[Pro140Thr]IFFGDEQHGF